The following is an entry in ClinVar:

ClinVar aggregate classification (germline): Benign (1 of 4 stars; one submission).

Conditions:
FOLR3-related disorder. Also called: FOLR3-related condition.

Submission:

PreventionGenetics, part of Exact Sciences
Classification: Benign for FOLR3-related condition. Last evaluated: 2019-02-25. Review status: criteria provided, single submitter. Criteria: ACMG Guidelines, 2015. Collection method: clinical testing. Allele origin: germline.
Comment: This variant is classified as benign based on ACMG/AMP sequence variant interpretation guidelines (Richards et al. 2015 PMID: 25741868, with internal and published modifications).

NM_000804.4(FOLR3):c.320_321dup (p.Glu108fs)

Gene: FOLR3 (folate receptor gamma; plus strand). Cytogenetic location: 11q13.4.
Variant type: Duplication.
Coding change: c.320_321dup on transcript NM_000804.4 (MANE Select); coding-DNA positions 320 to 321, 2 bases duplicated (AT; older notation c.320_321dupAT).
Protein change: p.Glu108fs; shifts the reading frame from glutamic acid 108.
Molecular consequence: frameshift variant. On other transcripts: non-coding transcript variant (1).
Genome position (GRCh38, 1-based): chr11:72,139,112-72,139,113, AT duplicated; duplicating any 2 consecutive bases within chr11:72,139,111-72,139,113 gives the same sequence; the c. name uses the placement nearest the transcript's 3' end. VCF-style (leftmost placement, unchanged base first): chr11-72139110-C-CTA. GRCh37 (hg19) VCF-style: chr11-71850156-C-CTATA.
Other names: c.47_48dup, p.Glu17Metfs (NM_001318045.2); c.?dup (NM_001412270.1); short protein forms E108fs.
Identifiers: ClinVar variation 3035533 (VCV003035533.1), dbSNP rs71891516, ClinGen allele CA224397511.